The following is an entry in ClinVar:

ClinVar aggregate classification (germline): Uncertain significance. Review status: criteria provided, multiple submitters, no conflicts (2 of 4 stars). 3 submissions from 3 submitters: Uncertain significance (3). Last evaluated 2026-07-27.

Conditions:
Hereditary cancer-predisposing syndrome. Also called: Neoplastic Syndromes, Hereditary; Hereditary Cancer Syndrome; Tumor predisposition; Hereditary neoplastic syndrome. Identifiers: Orphanet 140162, MedGen C0027672, MeSH D009386, MONDO:0015356.
Cardiovascular phenotype. Identifiers: MedGen CN230736.
Juvenile myelomonocytic leukemia (JMML). Also called: LEUKEMIA, JUVENILE MYELOMONOCYTIC, SOMATIC. Identifiers: Orphanet 86834, MedGen C0349639, MONDO:0011908, OMIM 607785, HP:0012209.
Neurofibromatosis, type 1 (NF1). Also called: Peripheral type neurofibromatosis; VON RECKLINGHAUSEN DISEASE; Neurofibromatosis, type I; NEUROFIBROMATOSIS, TYPE I, SOMATIC. Identifiers: Orphanet 636, MedGen C0027831, MONDO:0018975, OMIM 162200. Disease mechanism: loss of function.

Allele frequency attached by ClinVar (database versions not stated): gnomAD exomes 0.00001.
gnomAD v4.1: 3 of 1,606,720 alleles (0.00019%); highest among the groups gnomAD compares: South Asian, 0.0033%; no homozygotes.

Submissions (3):

Ambry Genetics
Classification: Uncertain significance for Cardiovascular phenotype; Hereditary cancer-predisposing syndrome. Last evaluated: 2026-07-27. Review status: criteria provided, single submitter. Criteria: Ambry Variant Classification Scheme 2023. Collection method: clinical testing. Allele origin: germline.
Comment: The p.P563S variant (also known as c.1687C>T), located in coding exon 15 of the NF1 gene, results from a C to T substitution at nucleotide position 1687. The proline at codon 563 is replaced by serine, an amino acid with similar properties. This amino acid position is conserved. In addition, the in silico prediction for this alteration is inconclusive. Based on the available evidence, the clinical significance of this variant remains unclear.

Baylor Genetics
Classification: Uncertain significance for Juvenile myelomonocytic leukemia. Last evaluated: 2023-11-28. Review status: criteria provided, single submitter. Criteria: ACMG Guidelines, 2015. Collection method: clinical testing. Allele origin: unknown.

Labcorp Genetics (formerly Invitae), Labcorp
Classification: Uncertain significance for Neurofibromatosis, type 1. Last evaluated: 2022-09-20. Review status: criteria provided, single submitter. Criteria: Invitae Variant Classification Sherloc (09022015). Collection method: clinical testing. Allele origin: germline.
Comment: This sequence change replaces proline, which is neutral and non-polar, with serine, which is neutral and polar, at codon 563 of the NF1 protein (p.Pro563Ser). This variant is not present in population databases (gnomAD no frequency). This variant has not been reported in the literature in individuals affected with NF1-related conditions. ClinVar contains an entry for this variant (Variation ID: 966412). Advanced modeling of protein sequence and biophysical properties (such as structural, functional, and spatial information, amino acid conservation, physicochemical variation, residue mobility, and thermodynamic stability) performed at Invitae indicates that this missense variant is expected to disrupt NF1 protein function. In summary, the available evidence is currently insufficient to determine the role of this variant in disease. Therefore, it has been classified as a Variant of Uncertain Significance.

NM_001042492.3(NF1):c.1687C>T (p.Pro563Ser)

Gene: NF1 (neurofibromin 1; plus strand). Cytogenetic location: 17q11.2.
Variant type: single nucleotide variant.
Coding change: c.1687C>T on transcript NM_001042492.3 (MANE Select); coding-DNA position 1687, C replaced by T.
Protein change: p.Pro563Ser; replaces proline 563 with serine.
Molecular consequence: missense variant.
Genome position (GRCh38, 1-based): chr17:31,221,895, C>T. VCF-style: chr17-31221895-C-T. GRCh37 (hg19) VCF-style: chr17-29548913-C-T.
Other names: c.1687C>T, p.Pro563Ser (NM_000267.4, NM_001128147.3); short protein forms P563S.
Identifiers: ClinVar variation 966412 (VCV000966412.4), dbSNP rs2066928705, ClinGen allele CA399002311.